The following is an entry in ClinVar:

NM_176806.4(MOCS2):c.30_34del (p.Leu10fs)

Gene: MOCS2 (molybdenum cofactor synthesis 2; minus strand). Cytogenetic location: 5q11.2.
Variant type: Microsatellite.
Coding change: c.30_34del on transcript NM_176806.4 (MANE Plus Clinical); coding-DNA positions 30 to 34, 5 bases deleted (GTATT; older notation c.30_34delGTATT).
Protein change: p.Leu10fs; shifts the reading frame from leucine 10.
Molecular consequence: frameshift variant. On other transcripts: 5 prime UTR variant (1).
Genome position (GRCh38, 1-based): chr5:53,108,628-53,108,632, AATAC deleted on the plus strand (GTATT on the coding strand, the reverse complement: MOCS2 is on the minus strand); deleting any 5 consecutive bases within chr5:53,108,628-53,108,637 gives the same sequence; the c. name uses the placement nearest the transcript's 3' end. VCF-style (leftmost placement, unchanged base first): chr5-53108627-AAATAC-A. GRCh37 (hg19) VCF-style: chr5-52404457-AAATAC-A.
Other names: c.-163GTATT[1] (NM_004531.5); short protein forms L10fs.
Identifiers: ClinVar variation 930940 (VCV000930940.5), dbSNP rs1741117263, ClinGen allele CA1546399812.
Genomic context (GRCh38, chr5:53,108,627, plus strand): 5'-ATTTCTTGAGGCACAGAAATGGTCTCTGAACGAACTCCTGTTATTTCAGCACTTTTTGCA[AAATAC>A]AATACTTCAACCTGAAAGTAAAGAAAATGCTTTTAATAACAACTCATACTCGTTTTCTGA-3'

ClinVar aggregate classification (germline): Likely pathogenic. Review status: criteria provided, multiple submitters, no conflicts (2 of 4 stars). 2 submissions from 2 submitters: Likely pathogenic (2). Last evaluated 2020-03-31.

Conditions:
Sulfite oxidase deficiency due to molybdenum cofactor deficiency type B1 (MOCODB1). Also called: Molybdenum cofactor deficiency B; Molybdenum cofactor deficiency, complementation group B; MOLYBDENUM COFACTOR DEFICIENCY, TYPE B1; Sulfite oxidase deficiency due to molybdenum cofactor deficiency type B. Identifiers: Orphanet 308393, Orphanet 833, MedGen C6065887, MONDO:0009644, OMIM 252160.

Submissions (2):

Centre for Mendelian Genomics, University Medical Centre Ljubljana
Classification: Likely pathogenic for Sulfite oxidase deficiency due to molybdenum cofactor deficiency type B1. Last evaluated: 2020-03-31. Review status: criteria provided, single submitter. Criteria: ACMG Guidelines, 2015. Collection method: clinical testing. Allele origin: unknown. Affected: yes.
Comment: This variant was classified as: Likely pathogenic. The following ACMG criteria were applied in classifying this variant: PVS1,PM2.

Neuberg Centre For Genomic Medicine, NCGM
Classification: Likely pathogenic for Sulfite oxidase deficiency due to molybdenum cofactor deficiency type B1. Review status: criteria provided, single submitter. Criteria: ACMG Guidelines, 2015. Collection method: clinical testing. Allele origin: germline. Inheritance: Autosomal recessive inheritance. Affected: yes.
Comment: The frame shift c.30_34del p.Leu10PhefsTer6 variant in MOCS2 gene has not been reported previously as a pathogenic variant nor as a benign variant, to our knowledge. The p.Leu10PhefsTer6 variant is novel not in any individuals in gnomAD Exomes and 1000 Genomes. This variant has been reported to the ClinVar database as Likely Pathogenic. This variant causes a frameshift starting with codon Leucine 10, changes this amino acid to Phenylalanine residue, and creates a premature Stop codon at position 6 of the new reading frame, denoted p.Leu10PhefsTer6. This variant is predicted to cause loss of normal protein function through protein truncation. Loss of function variants have been previously reported to be disease causing. For these reasons, this variant has been classified as Likely Pathogenic.